The following is an entry in ClinVar:

NM_017433.5(MYO3A):c.464A>T (p.Asn155Ile)

Gene: MYO3A (myosin IIIA; plus strand). Cytogenetic location: 10p12.1.
Variant type: single nucleotide variant.
Coding change: c.464A>T on transcript NM_017433.5 (MANE Select); coding-DNA position 464, A replaced by T.
Protein change: p.Asn155Ile; replaces asparagine 155 with isoleucine.
Molecular consequence: missense variant.
Genome position (GRCh38, 1-based): chr10:25,997,214, A>T. VCF-style: chr10-25997214-A-T. GRCh37 (hg19) VCF-style: chr10-26286143-A-T.
Other names: c.464A>T, p.Asn155Ile (NM_001368265.1); short protein forms N155I.
Identifiers: ClinVar variation 3615409 (VCV003615409.2).
Genomic context (GRCh38, chr10:25,997,214, plus strand): 5'-TCTAGGGACTTCAACATTTGCATAACAACAAAACTATCCACAGAGATGTGAAAGGCAATA[A>T]CATTCTATTGACCACGGAAGGTGGAGTGAAACTAGTAGATTTTGGTAAGTTTTGTTTAAA-3'
Protein context (NP_059129.3, residues 145-165): KTIHRDVKGN[Asn155Ile]ILLTTEGGVK

ClinVar aggregate classification (germline): Uncertain significance (1 of 4 stars; one submission).

gnomAD v4.1: 4 of 1,613,564 alleles (0.00025%); highest among the groups gnomAD compares: African/African-American, 0.0013%; no homozygotes.

Submission:

Labcorp Genetics (formerly Invitae), Labcorp
Classification: Uncertain significance. Last evaluated: 2024-09-29. Review status: criteria provided, single submitter. Criteria: Invitae Variant Classification Sherloc (09022015). Collection method: clinical testing. Allele origin: germline.
Comment: This sequence change replaces asparagine, which is neutral and polar, with isoleucine, which is neutral and non-polar, at codon 155 of the MYO3A protein (p.Asn155Ile). This variant is not present in population databases (gnomAD no frequency). This variant has not been reported in the literature in individuals affected with MYO3A-related conditions. An algorithm developed to predict the effect of missense changes on protein structure and function (PolyPhen-2) suggests that this variant is likely to be disruptive. In summary, the available evidence is currently insufficient to determine the role of this variant in disease. Therefore, it has been classified as a Variant of Uncertain Significance.